The following is an entry in ClinVar:

NM_000193.4(SHH):c.730C>A (p.Arg244Ser)

Gene: SHH (sonic hedgehog signaling molecule; minus strand). Cytogenetic location: 7q36.3.
Variant type: single nucleotide variant.
Coding change: c.730C>A on transcript NM_000193.4 (MANE Select); coding-DNA position 730, C replaced by A.
Protein change: p.Arg244Ser; replaces arginine 244 with serine.
Molecular consequence: missense variant. On other transcripts: intron variant (1).
Genome position (GRCh38, 1-based): chr7:155,803,559, G>T on the plus strand (C>A on the coding strand, the complement: SHH is on the minus strand). VCF-style: chr7-155803559-G-T. GRCh37 (hg19) VCF-style: chr7-155596253-G-T.
Other names: c.301+2737C>A (NM_001310462.2); short protein forms R244S.
Identifiers: ClinVar variation 3616555 (VCV003616555.2).

ClinVar aggregate classification (germline): Uncertain significance (1 of 4 stars; one submission).

Conditions:
Holoprosencephaly 3 (HPE3). Identifiers: Orphanet 2162, MedGen C1840529, MONDO:0007733, OMIM 142945.

gnomAD v4.1: 3 of 1,597,994 alleles (0.00019%); highest among the groups gnomAD compares: African/African-American, 0.0013%; no homozygotes.

Submission:

Labcorp Genetics (formerly Invitae), Labcorp
Classification: Uncertain significance for Holoprosencephaly 3. Last evaluated: 2025-07-17. Review status: criteria provided, single submitter. Criteria: Invitae Variant Classification Sherloc (09022015). Collection method: clinical testing. Allele origin: germline.
Comment: This sequence change replaces arginine, which is basic and polar, with serine, which is neutral and polar, at codon 244 of the SHH protein (p.Arg244Ser). This variant is not present in population databases (gnomAD no frequency). This variant has not been reported in the literature in individuals affected with SHH-related conditions. ClinVar contains an entry for this variant (Variation ID: 3616555). Invitae Evidence Modeling of protein sequence and biophysical properties (such as structural, functional, and spatial information, amino acid conservation, physicochemical variation, residue mobility, and thermodynamic stability) indicates that this missense variant is not expected to disrupt SHH protein function with a negative predictive value of 80%. In summary, the available evidence is currently insufficient to determine the role of this variant in disease. Therefore, it has been classified as a Variant of Uncertain Significance.